The following is an entry in ClinVar:

NM_006939.4(SOS2):c.1934G>T (p.Arg645Leu)

Gene: SOS2 (SOS Ras/Rho guanine nucleotide exchange factor 2; minus strand). Cytogenetic location: 14q21.3.
Variant type: single nucleotide variant.
Coding change: c.1934G>T on transcript NM_006939.4 (MANE Select); coding-DNA position 1934, G replaced by T.
Protein change: p.Arg645Leu; replaces arginine 645 with leucine.
Molecular consequence: missense variant.
Genome position (GRCh38, 1-based): chr14:50,158,565, C>A on the plus strand (G>T on the coding strand, the complement: SOS2 is on the minus strand). VCF-style: chr14-50158565-C-A. GRCh37 (hg19) VCF-style: chr14-50625283-C-A.
Other names: c.1835G>T, p.Arg612Leu (NM_001411020.1); short protein forms R612L, R645L.
Identifiers: ClinVar variation 2799265 (VCV002799265.3), dbSNP rs1884892463, ClinGen allele CA389644628.
Genomic context (GRCh38, chr14:50,158,565, plus strand): 5'-ACAAAATACAGTTAATTTTTCACAAAATGTCAATATAACTGAAATACATATTTTTCTTAC[C>A]GTTCAATCAGTAAGCTCAGCAATTCCTGTGGTTTACAAAATGAACGATATGTGGTAAGAA-3'
Protein context (NP_008870.2, residues 635-655): PQELLSLLIE[Arg645Leu]FEIPEPEPTD

ClinVar aggregate classification (germline): Uncertain significance (1 of 4 stars; one submission).

Conditions:
Noonan syndrome 9 (NS9). Identifiers: Orphanet 648, MedGen C4225282, MONDO:0014691, OMIM 616559.

gnomAD v4.1: 1 of 1,564,850 alleles (0.000064%); highest among the groups gnomAD compares: Non-Finnish European, 0.000087%; no homozygotes.

Submission:

Labcorp Genetics (formerly Invitae), Labcorp
Classification: Uncertain significance for Noonan syndrome 9. Last evaluated: 2024-05-15. Review status: criteria provided, single submitter. Criteria: Invitae Variant Classification Sherloc (09022015). Collection method: clinical testing. Allele origin: germline.
Comment: This sequence change replaces arginine, which is basic and polar, with leucine, which is neutral and non-polar, at codon 645 of the SOS2 protein (p.Arg645Leu). This variant also falls at the last nucleotide of exon 11, which is part of the consensus splice site for this exon. This variant is not present in population databases (gnomAD no frequency). This variant has not been reported in the literature in individuals affected with SOS2-related conditions. An algorithm developed to predict the effect of missense changes on protein structure and function (PolyPhen-2) suggests that this variant is likely to be disruptive. Variants that disrupt the consensus splice site are a relatively common cause of aberrant splicing (PMID: 17576681, 9536098). Algorithms developed to predict the effect of sequence changes on RNA splicing suggest that this variant may disrupt the consensus splice site. In summary, the available evidence is currently insufficient to determine the role of this variant in disease. Therefore, it has been classified as a Variant of Uncertain Significance.

Literature cited by the submitters: PubMed 17576681; PubMed 9536098.